The following is an entry in ClinVar:

NM_001098.3(ACO2):c.425G>A (p.Arg142Gln)

Gene: ACO2 (aconitase 2; plus strand). Cytogenetic location: 22q13.2.
Variant type: single nucleotide variant.
Coding change: c.425G>A on transcript NM_001098.3 (MANE Select); coding-DNA position 425, G replaced by A.
Protein change: p.Arg142Gln; replaces arginine 142 with glutamine.
Molecular consequence: missense variant.
Genome position (GRCh38, 1-based): chr22:41,508,042, G>A. VCF-style: chr22-41508042-G-A. GRCh37 (hg19) VCF-style: chr22-41904046-G-A.
Other names: p.R142Q:CGG>CAG; short protein forms R142Q.
Identifiers: ClinVar variation 214015 (VCV000214015.11), dbSNP rs863223879, ClinGen allele CA321220.

ClinVar aggregate classification (germline): Uncertain significance. Review status: criteria provided, multiple submitters, no conflicts (2 of 4 stars). 2 submissions from 2 submitters: Uncertain significance (2). Last evaluated 2022-08-13.

Allele frequency attached by ClinVar (database versions not stated): gnomAD exomes below 0.00001 and 0.00001; TOPMed below 0.00001; gnomAD 0.00001.
gnomAD v4.1: 12 of 1,608,484 alleles (0.00075%); highest among the groups gnomAD compares: East Asian, 0.0022%; no homozygotes.

Submissions (2):

Labcorp Genetics (formerly Invitae), Labcorp
Classification: Uncertain significance. Last evaluated: 2022-08-13. Review status: criteria provided, single submitter. Criteria: Invitae Variant Classification Sherloc (09022015). Collection method: clinical testing. Allele origin: germline.
Comment: Advanced modeling of protein sequence and biophysical properties (such as structural, functional, and spatial information, amino acid conservation, physicochemical variation, residue mobility, and thermodynamic stability) performed at Invitae indicates that this missense variant is expected to disrupt ACO2 protein function. In summary, the available evidence is currently insufficient to determine the role of this variant in disease. Therefore, it has been classified as a Variant of Uncertain Significance. ClinVar contains an entry for this variant (Variation ID: 214015). This variant has not been reported in the literature in individuals affected with ACO2-related conditions. This variant is present in population databases (no rsID available, gnomAD 0.004%). This sequence change replaces arginine, which is basic and polar, with glutamine, which is neutral and polar, at codon 142 of the ACO2 protein (p.Arg142Gln).

GeneDx
Classification: Uncertain significance. Last evaluated: 2014-01-11. Review status: criteria provided, single submitter. Criteria: GeneDx Variant Classification (06012015). Collection method: clinical testing. Allele origin: germline. Affected: yes.
Comment: p.Arg142Gln (CGG>CAG): c.425 G>A in exon 3 of the ACO2 gene (NM_001098.2). The R142Q missense substitution has not been published as a mutation, nor has it been reported as a benign polymorphism to our knowledge. The R142Q variant is a non-conservative amino acid substitution as these residues share similar properties, but differ in size, charge or other properties which may impact secondary structure. The substitution occurs at a position in the ACO2 protein that is conserved in mammals. In-silico analyses are not consistent in their predictions of whether or not R142Q is damaging to the ACO2 protein. Therefore, based on the currently available information, it is unclear whether R142Q is a disease-causing mutation or a rare benign variant. The variant is found in MITONUC-MITOP panel(s).